The following is an entry in ClinVar:

NM_001288705.3(CSF1R):c.1530G>A (p.Pro510=)

Gene: CSF1R (colony stimulating factor 1 receptor; minus strand). Cytogenetic location: 5q32.
Variant type: single nucleotide variant.
Coding change: c.1530G>A on transcript NM_001288705.3 (MANE Select); coding-DNA position 1530, G replaced by A.
Protein change: p.Pro510=; no amino-acid change (proline 510 retained).
Molecular consequence: synonymous variant. On other transcripts: non-coding transcript variant (2).
Genome position (GRCh38, 1-based): chr5:150,068,311, C>T on the plus strand (G>A on the coding strand, the complement: CSF1R is on the minus strand). VCF-style: chr5-150068311-C-T. GRCh37 (hg19) VCF-style: chr5-149447874-C-T.
Other names: c.1530G>A, p.Pro510= (NM_001349736.2, NM_001375320.1, NM_005211.4); c.1086G>A, p.Pro362= (NM_001375321.1).
Identifiers: ClinVar variation 3358844 (VCV003358844.2).

ClinVar aggregate classification (germline): Likely benign (1 of 4 stars; one submission).

Conditions:
CSF1R-related disorder. Also called: CSF1R-related condition. Identifiers: MedGen CN379780, MONDO:0100632.

gnomAD v4.1: 21 of 1,612,536 alleles (0.0013%); highest among the groups gnomAD compares: South Asian, 0.0099%; no homozygotes.

Submission:

PreventionGenetics, part of Exact Sciences
Classification: Likely benign for CSF1R-related condition. Last evaluated: 2025-02-25. Review status: criteria provided, single submitter. Criteria: ACMG Guidelines, 2015. Collection method: clinical testing. Allele origin: germline.
Comment: This variant is classified as likely benign based on ACMG/AMP sequence variant interpretation guidelines (Richards et al. 2015 PMID: 25741868, with internal and published modifications).